The following is an entry in ClinVar:

NM_002184.4(IL6ST):c.2405T>C (p.Val802Ala)

Gene: IL6ST (interleukin 6 cytokine family signal transducer; minus strand). Cytogenetic location: 5q11.2.
Variant type: single nucleotide variant.
Coding change: c.2405T>C on transcript NM_002184.4 (MANE Select); coding-DNA position 2405, T replaced by C.
Protein change: p.Val802Ala; replaces valine 802 with alanine.
Molecular consequence: missense variant. On other transcripts: 3 prime UTR variant (1), non-coding transcript variant (2).
Genome position (GRCh38, 1-based): chr5:55,941,434, A>G on the plus strand (T>C on the coding strand, the complement: IL6ST is on the minus strand). VCF-style: chr5-55941434-A-G. GRCh37 (hg19) VCF-style: chr5-55237262-A-G.
Other names: c.2222T>C, p.Val741Ala (NM_001190981.2); c.2303T>C, p.Val768Ala (NM_001364275.2); c.2195T>C, p.Val732Ala (NM_001364276.2); c.1538T>C, p.Val513Ala (NM_001364277.2); c.1502T>C, p.Val501Ala (NM_001364278.2); c.1409T>C, p.Val470Ala (NM_001364279.2); c.*1332T>C (NM_175767.3); short protein forms V741A, V768A, V513A, V802A, V501A, V470A, V732A.
Identifiers: ClinVar variation 3644414 (VCV003644414.2).

ClinVar aggregate classification (germline): Uncertain significance (1 of 4 stars; one submission).

Submission:

Labcorp Genetics (formerly Invitae), Labcorp
Classification: Uncertain significance. Last evaluated: 2024-03-03. Review status: criteria provided, single submitter. Criteria: Invitae Variant Classification Sherloc (09022015). Collection method: clinical testing. Allele origin: germline.
Comment: This sequence change replaces valine, which is neutral and non-polar, with alanine, which is neutral and non-polar, at codon 802 of the IL6ST protein (p.Val802Ala). This variant is not present in population databases (gnomAD no frequency). This variant has not been reported in the literature in individuals affected with IL6ST-related conditions. An algorithm developed to predict the effect of missense changes on protein structure and function (PolyPhen-2) suggests that this variant is likely to be tolerated. In summary, the available evidence is currently insufficient to determine the role of this variant in disease. Therefore, it has been classified as a Variant of Uncertain Significance.